The following is an entry in ClinVar:

NM_001267550.2(TTN):c.3194C>G (p.Thr1065Ser)

Gene: TTN (titin; minus strand). Cytogenetic location: 2q31.2.
Variant type: single nucleotide variant.
Coding change: c.3194C>G on transcript NM_001267550.2 (MANE Select); coding-DNA position 3194, C replaced by G.
Protein change: p.Thr1065Ser; replaces threonine 1065 with serine.
Molecular consequence: missense variant.
Genome position (GRCh38, 1-based): chr2:178,782,398, G>C on the plus strand (C>G on the coding strand, the complement: TTN is on the minus strand). VCF-style: chr2-178782398-G-C. GRCh37 (hg19) VCF-style: chr2-179647125-G-C.
Other names: c.3194C>G, p.Thr1065Ser (NM_001256850.1, NM_133378.4, NM_133379.5); c.3056C>G, p.Thr1019Ser (NM_003319.4, NM_133432.3, NM_133437.4); short protein forms T1019S, T1065S.
Identifiers: ClinVar variation 3902558 (VCV003902558.1).

ClinVar aggregate classification (germline): Uncertain significance (1 of 4 stars; one submission).

Submission:

Women's Health and Genetics/Laboratory Corporation of America, LabCorp
Classification: Uncertain significance. Last evaluated: 2025-05-02. Review status: criteria provided, single submitter. Criteria: LabCorp Variant Classification Summary - May 2015. Collection method: clinical testing. Allele origin: germline.
Comment: Variant summary: TTN c.3194C>G (p.Thr1065Ser) results in a conservative amino acid change in the encoded protein sequence. Algorithms developed to predict the effect of missense changes on protein structure and function all suggest that this variant is likely to be tolerated. The variant was absent in 251062 control chromosomes (gnomAD). The available data on variant occurrences in the general population are insufficient to allow any conclusion about variant significance. To our knowledge, no occurrence of c.3194C>G in individuals affected with Autosomal Recessive Titinopathy and no experimental evidence demonstrating its impact on protein function have been reported. No submitters have cited clinical-significance assessments for this variant to ClinVar. Based on the evidence outlined above, the variant was classified as uncertain significance.